The following is an entry in ClinVar:

ClinVar aggregate classification (germline): Pathogenic/Likely pathogenic. Review status: criteria provided, multiple submitters, no conflicts (2 of 4 stars). 2 submissions from 2 submitters: Pathogenic (1); Likely pathogenic (1). Last evaluated 2025-09-26.

Conditions:
CHD7-related CHARGE syndrome. Identifiers: MedGen CN380413, MONDO:1010178, OMIM 214800.
Spastic paraplegia. Identifiers: MedGen C0037772, HP:0001258.

Submissions (2):

Variantyx, Inc.
Classification: Likely pathogenic for CHD7-related CHARGE syndrome. Last evaluated: 2025-09-26. Review status: criteria provided, single submitter. Criteria: Variantyx Assertion Criteria 2022. Collection method: clinical testing. Allele origin: germline. Inheritance: Autosomal recessive inheritance. Affected: no.
Comment: This is a frameshift variant in the CYP7B1 gene (OMIM: 603711). Pathogenic variants in this gene have been associated with autosomal recessive spastic paraplegia 5A. This variant introduces a premature termination codon in exon 6 out of 6 and is expected to result in loss of function, which is a known disease mechanism for CYP7B1 in this disorder (PMID: 18252231) (PVS1). This variant has a 0.0001% maximum allele frequency in non-founder control populations (PM2). Based on the current evidence, this variant is classified as likely pathogenic for autosomal recessive spastic paraplegia 5A.

Labcorp Genetics (formerly Invitae), Labcorp
Classification: Pathogenic for Spastic paraplegia. Last evaluated: 2022-03-11. Review status: criteria provided, single submitter. Criteria: Invitae Variant Classification Sherloc (09022015). Collection method: clinical testing. Allele origin: germline.
Comment: For these reasons, this variant has been classified as Pathogenic. This variant disrupts a region of the CYP7B1 protein in which other variant(s) (p.Leu487Phefs*11) have been determined to be pathogenic (PMID: 23812641, 26374131). This suggests that this is a clinically significant region of the protein, and that variants that disrupt it are likely to be disease-causing. This variant has not been reported in the literature in individuals affected with CYP7B1-related conditions. This variant is not present in population databases (gnomAD no frequency). This sequence change creates a premature translational stop signal (p.Phe418Leufs*2) in the CYP7B1 gene. While this is not anticipated to result in nonsense mediated decay, it is expected to disrupt the last 89 amino acid(s) of the CYP7B1 protein.

Literature cited by the submitters: PubMed 18252231 (cited by Variantyx, Inc.); PubMed 23812641 (cited by Labcorp Genetics (formerly Invitae), Labcorp); PubMed 26374131 (cited by Labcorp Genetics (formerly Invitae), Labcorp).

NM_004820.5(CYP7B1):c.1254del (p.Phe418fs)

Gene: CYP7B1 (cytochrome P450 family 7 subfamily B member 1; minus strand). Cytogenetic location: 8q12.3.
Variant type: Deletion.
Coding change: c.1254del on transcript NM_004820.5 (MANE Select); coding-DNA position 1254, one base deleted (T; older notation c.1254delT).
Protein change: p.Phe418fs; shifts the reading frame from phenylalanine 418.
Molecular consequence: frameshift variant. On other transcripts: intron variant (1).
Genome position (GRCh38, 1-based): chr8:64,596,909, A deleted on the plus strand (T on the coding strand, the reverse complement: CYP7B1 is on the minus strand); the first of 4 consecutive A bases (chr8:64,596,909-64,596,912); deleting any one gives the same sequence. VCF-style (leftmost placement, unchanged base first): chr8-64596908-TA-T. GRCh37 (hg19) VCF-style: chr8-65509465-TA-T.
Other names: c.1234-7065del (NM_001324112.2); short protein forms F418fs.
Identifiers: ClinVar variation 2109081 (VCV002109081.4), dbSNP rs2487154014, ClinGen allele CA2580078864.
Genomic context (GRCh38, chr8:64,596,908, plus strand): 5'-GGTAACACTTCAGCTTTTTCCCTCTTTTGAAAAAGGTGGTTTTCTTCTTACCATCTTCTA[TA>T]AAACGATCATATCTAAACTCCTGTAAGGAAGAATAGTGTTAAAATTAACATTTTATATGA-3'